The following is an entry in ClinVar:

ClinVar aggregate classification (germline): Uncertain significance (1 of 4 stars; one submission).

Allele frequency attached by ClinVar (database versions not stated): gnomAD exomes below 0.00001.
gnomAD v4.1: 1 of 1,437,104 alleles (0.00007%); highest among the groups gnomAD compares: African/African-American, 0.0015%; no homozygotes.

Submission:

Labcorp Genetics (formerly Invitae), Labcorp
Classification: Uncertain significance. Last evaluated: 2022-09-06. Review status: criteria provided, single submitter. Criteria: Invitae Variant Classification Sherloc (09022015). Collection method: clinical testing. Allele origin: germline.
Comment: In summary, the available evidence is currently insufficient to determine the role of this variant in disease. Therefore, it has been classified as a Variant of Uncertain Significance. Algorithms developed to predict the effect of missense changes on protein structure and function (SIFT, PolyPhen-2, Align-GVGD) all suggest that this variant is likely to be tolerated. This variant has not been reported in the literature in individuals affected with SAMD11-related conditions. This variant is not present in population databases (gnomAD no frequency). This sequence change replaces asparagine, which is neutral and polar, with aspartic acid, which is acidic and polar, at codon 385 of the SAMD11 protein (p.Asn385Asp).

NM_001385641.1(SAMD11):c.1642A>G (p.Asn548Asp)

Gene: SAMD11 (sterile alpha motif domain containing 11; plus strand). Cytogenetic location: 1p36.33.
Variant type: single nucleotide variant.
Coding change: c.1642A>G on transcript NM_001385641.1 (MANE Select); coding-DNA position 1642, A replaced by G.
Protein change: p.Asn548Asp; replaces asparagine 548 with aspartic acid.
Molecular consequence: missense variant.
Genome position (GRCh38, 1-based): chr1:942,647, A>G. VCF-style: chr1-942647-A-G. GRCh37 (hg19) VCF-style: chr1-878027-A-G.
Other names: c.1645A>G, p.Asn549Asp (NM_001385640.1); c.1153A>G, p.Asn385Asp (NM_152486.4); short protein forms N549D, N385D, N548D.
Identifiers: ClinVar variation 2092501 (VCV002092501.4), dbSNP rs2522713509, ClinGen allele CA337808767.